The following is an entry in ClinVar:

ClinVar aggregate classification (germline): Uncertain significance. Review status: criteria provided, multiple submitters, no conflicts (2 of 4 stars). 2 submissions from 2 submitters: Uncertain significance (2). Last evaluated 2022-10-04.

Conditions:
Inborn genetic diseases. Identifiers: MedGen C0950123, MeSH D030342.

Allele frequency attached by ClinVar (database versions not stated): gnomAD exomes below 0.00001.
gnomAD v4.1: 1 of 1,603,132 alleles (0.000062%); highest among the groups gnomAD compares: Admixed American, 0.0017%; no homozygotes.

Submissions (2):

Labcorp Genetics (formerly Invitae), Labcorp
Classification: Uncertain significance. Last evaluated: 2022-10-04. Review status: criteria provided, single submitter. Criteria: Invitae Variant Classification Sherloc (09022015). Collection method: clinical testing. Allele origin: germline.
Comment: This variant is present in population databases (no rsID available, gnomAD 0.003%). This sequence change replaces tyrosine, which is neutral and polar, with serine, which is neutral and polar, at codon 2883 of the CDH23 protein (p.Tyr2883Ser). This variant has not been reported in the literature in individuals affected with CDH23-related conditions. In summary, the available evidence is currently insufficient to determine the role of this variant in disease. Therefore, it has been classified as a Variant of Uncertain Significance. Advanced modeling of protein sequence and biophysical properties (such as structural, functional, and spatial information, amino acid conservation, physicochemical variation, residue mobility, and thermodynamic stability) has been performed at Invitae for this missense variant, however the output from this modeling did not meet the statistical confidence thresholds required to predict the impact of this variant on CDH23 protein function. ClinVar contains an entry for this variant (Variation ID: 1015476).

Ambry Genetics
Classification: Uncertain significance for Inborn genetic diseases. Last evaluated: 2022-07-26. Review status: criteria provided, single submitter. Criteria: Ambry Variant Classification Scheme 2023. Collection method: clinical testing. Allele origin: germline.

NM_022124.6(CDH23):c.8648A>C (p.Tyr2883Ser)

Gene: CDH23 (cadherin related 23; plus strand). Cytogenetic location: 10q22.1.
Variant type: single nucleotide variant.
Coding change: c.8648A>C on transcript NM_022124.6 (MANE Select); coding-DNA position 8648, A replaced by C.
Protein change: p.Tyr2883Ser; replaces tyrosine 2883 with serine.
Molecular consequence: missense variant.
Genome position (GRCh38, 1-based): chr10:71,807,933, A>C. VCF-style: chr10-71807933-A-C. GRCh37 (hg19) VCF-style: chr10-73567690-A-C.
Other names: c.1928A>C, p.Tyr643Ser (NM_001171933.1, NM_001171934.1); c.8648A>C (NM_022124.5); short protein forms Y2883S, Y643S.
Identifiers: ClinVar variation 1015476 (VCV001015476.9), dbSNP rs1447857170, ClinGen allele CA377132351.